The following is an entry in ClinVar:

NM_000321.3(RB1):c.2159A>G (p.Lys720Arg)

Gene: RB1 (RB transcriptional corepressor 1; plus strand). Cytogenetic location: 13q14.2.
Variant type: single nucleotide variant.
Coding change: c.2159A>G on transcript NM_000321.3 (MANE Select); coding-DNA position 2159, A replaced by G.
Protein change: p.Lys720Arg; replaces lysine 720 with arginine.
Molecular consequence: missense variant.
Genome position (GRCh38, 1-based): chr13:48,463,783, A>G. VCF-style: chr13-48463783-A-G. GRCh37 (hg19) VCF-style: chr13-49037919-A-G.
Other names: c.2159A>G, p.Lys720Arg (NM_001407165.1); short protein forms K720R.
Identifiers: ClinVar variation 3787280 (VCV003787280.1).

ClinVar aggregate classification (germline): Uncertain significance (1 of 4 stars; one submission).

Conditions:
Hereditary cancer-predisposing syndrome. Also called: Neoplastic Syndromes, Hereditary; Hereditary Cancer Syndrome; Tumor predisposition; Hereditary neoplastic syndrome. Identifiers: Orphanet 140162, MedGen C0027672, MeSH D009386, MONDO:0015356.

Submission:

Ambry Genetics
Classification: Uncertain significance for Hereditary cancer-predisposing syndrome. Last evaluated: 2025-02-12. Review status: criteria provided, single submitter. Criteria: Ambry Variant Classification Scheme 2023. Collection method: clinical testing. Allele origin: germline.
Comment: The p.K720R variant (also known as c.2159A>G), located in coding exon 21 of the RB1 gene, results from an A to G substitution at nucleotide position 2159. The lysine at codon 720 is replaced by arginine, an amino acid with highly similar properties. This amino acid position is not well conserved in available vertebrate species. In addition, this alteration is predicted to be tolerated by in silico analysis. Based on the available evidence, the clinical significance of this variant remains unclear.